The following is an entry in ClinVar:

ClinVar aggregate classification (germline): Uncertain significance (1 of 4 stars; one submission).

Conditions:
Autism spectrum disorder due to AUTS2 deficiency (MRD26). Also called: INTELLECTUAL DEVELOPMENTAL DISORDER, AUTOSOMAL DOMINANT 26. Identifiers: Orphanet 352490, MedGen C4014435, MONDO:0014361, OMIM 615834.

Submission:

3billion
Classification: Uncertain significance for Autism spectrum disorder due to AUTS2 deficiency. Last evaluated: 2025-01-21. Review status: criteria provided, single submitter. Criteria: ACMG Guidelines, 2015. Collection method: clinical testing. Allele origin: germline. Affected: yes.
Comment: The variant is not observed in the gnomAD v4.1.0 dataset. Predicted Consequence/Location: Intron variant In silico tools predict the variant to alter splicing and produce an abnormal transcript [SpliceAI: 0.27 (>=0.2, moderate evidence for spliceogenicity)]. Therefore, this variant is classified as VUS according to the recommendation of ACMG/AMP guideline.

NM_015570.4(AUTS2):c.660+11247G>A

Gene: AUTS2 (activator of transcription and developmental regulator AUTS2; plus strand). Cytogenetic location: 7q11.22.
Variant type: single nucleotide variant.
Coding change: c.660+11247G>A on transcript NM_015570.4 (MANE Select); 11247 bases into the intron after coding-DNA position 660, G replaced by A.
Molecular consequence: intron variant.
Genome position (GRCh38, 1-based): chr7:70,145,818, G>A. VCF-style: chr7-70145818-G-A. GRCh37 (hg19) VCF-style: chr7-69610804-G-A.
Other names: c.660+11247G>A (NM_001127231.3, NM_001127232.3).
Identifiers: ClinVar variation 4294082 (VCV004294082.1).